The following is an entry in ClinVar:

NM_002480.3(PPP1R12A):c.2307T>C (p.Tyr769=)

Gene: PPP1R12A (protein phosphatase 1 regulatory subunit 12A; minus strand). Cytogenetic location: 12q21.2.
Variant type: single nucleotide variant.
Coding change: c.2307T>C on transcript NM_002480.3 (MANE Select); coding-DNA position 2307, T replaced by C.
Protein change: p.Tyr769=; no amino-acid change (tyrosine 769 retained).
Molecular consequence: synonymous variant.
Genome position (GRCh38, 1-based): chr12:79,796,936, A>G on the plus strand (T>C on the coding strand, the complement: PPP1R12A is on the minus strand). VCF-style: chr12-79796936-A-G. GRCh37 (hg19) VCF-style: chr12-80190716-A-G.
Other names: c.2307T>C, p.Tyr769= (NM_001143885.2, NM_001244990.2); c.2046T>C, p.Tyr682= (NM_001143886.2); c.2139T>C, p.Tyr713= (NM_001244992.1).
Identifiers: ClinVar variation 2874795 (VCV002874795.3), dbSNP rs2547895218, ClinGen allele CA480802878.

ClinVar aggregate classification (germline): Uncertain significance (1 of 4 stars; one submission).

Allele frequency attached by ClinVar (database versions not stated): gnomAD exomes below 0.00001.
gnomAD v4.1: 2 of 1,610,234 alleles (0.00012%); highest among the groups gnomAD compares: South Asian, 0.0011%; no homozygotes.

Submission:

Labcorp Genetics (formerly Invitae), Labcorp
Classification: Uncertain significance. Last evaluated: 2022-11-10. Review status: criteria provided, single submitter. Criteria: Invitae Variant Classification Sherloc (09022015). Collection method: clinical testing. Allele origin: germline.
Comment: This variant is not present in population databases (gnomAD no frequency). This sequence change affects codon 769 of the PPP1R12A mRNA. It is a 'silent' change, meaning that it does not change the encoded amino acid sequence of the PPP1R12A protein. This variant has not been reported in the literature in individuals affected with PPP1R12A-related conditions. In summary, the available evidence is currently insufficient to determine the role of this variant in disease. Therefore, it has been classified as a Variant of Uncertain Significance.